The following is an entry in ClinVar:

ClinVar aggregate classification (germline): Uncertain significance. Review status: criteria provided, multiple submitters, no conflicts (2 of 4 stars). 3 submissions from 3 submitters: Uncertain significance (2). 1 of the submissions does not count toward it. Last evaluated 2022-03-18.

Conditions:
Glycogen storage disease, type II (IOPD). Also called: Glucosidase acid-1,4-alpha deficiency; Pompe Disease; POMPE DISEASE, INFANTILE-ONSET; GLYCOGEN STORAGE DISEASE II, INFANTILE-ONSET; ACID ALPHA-GLUCOSIDASE DEFICIENCY, INFANTILE-ONSET; GAA DEFICIENCY, INFANTILE-ONSET. Identifiers: Orphanet 365, MedGen C0017921, MONDO:0009290, OMIM 232300.

Allele frequency attached by ClinVar (database versions not stated): gnomAD 0.00001; TOPMed 0.00001; gnomAD exomes 0.00002; ExAC 0.00005.

Submissions (3):

Labcorp Genetics (formerly Invitae), Labcorp
Classification: Uncertain significance for Glycogen storage disease, type II. Last evaluated: 2022-03-18. Review status: criteria provided, single submitter. Criteria: Invitae Variant Classification Sherloc (09022015). Collection method: clinical testing. Allele origin: germline.
Comment: This sequence change replaces glycine, which is neutral and non-polar, with aspartic acid, which is acidic and polar, at codon 288 of the GAA protein (p.Gly288Asp). This variant is present in population databases (rs769074720, gnomAD 0.005%). This variant has not been reported in the literature in individuals affected with GAA-related conditions. ClinVar contains an entry for this variant (Variation ID: 456442). Advanced modeling of protein sequence and biophysical properties (such as structural, functional, and spatial information, amino acid conservation, physicochemical variation, residue mobility, and thermodynamic stability) performed at Invitae indicates that this missense variant is not expected to disrupt GAA protein function. In summary, the available evidence is currently insufficient to determine the role of this variant in disease. Therefore, it has been classified as a Variant of Uncertain Significance.

Revvity Omics, Revvity
Classification: Uncertain significance. Last evaluated: 2019-09-17. Review status: criteria provided, single submitter. Criteria: ACMG Guidelines, 2015. Collection method: clinical testing. Allele origin: germline.

Natera, Inc.
Classification: Uncertain significance for Glycogen storage disease type II. Last evaluated: 2019-10-28. Review status: no assertion criteria provided. Collection method: clinical testing. Allele origin: germline. Not counted in ClinVar's aggregate classification.

NM_000152.5(GAA):c.863G>A (p.Gly288Asp)

Gene: GAA (alpha glucosidase; plus strand). Cytogenetic location: 17q25.3.
Variant type: single nucleotide variant.
Coding change: c.863G>A on transcript NM_000152.5 (MANE Select); coding-DNA position 863, G replaced by A.
Protein change: p.Gly288Asp; replaces glycine 288 with aspartic acid.
Molecular consequence: missense variant.
Genome position (GRCh38, 1-based): chr17:80,107,804, G>A. VCF-style: chr17-80107804-G-A. GRCh37 (hg19) VCF-style: chr17-78081603-G-A.
Other names: c.863G>A (LRG_673t1); c.863G>A, p.Gly288Asp (NM_001079803.3, NM_001079804.3); short protein forms G288D.
Identifiers: ClinVar variation 456442 (VCV000456442.12), dbSNP rs769074720, ClinGen allele CA8815074.